The following is an entry in ClinVar:

ClinVar aggregate classification (germline): Likely pathogenic (1 of 4 stars; one submission).

Conditions:
Cone dystrophy 3 (COD3). Also called: RETINAL CONE DYSTROPHY. Identifiers: Orphanet 1872, MedGen C1865869, MONDO:0011193, OMIM 602093.

Submission:

SIB Swiss Institute of Bioinformatics
Classification: Likely pathogenic for Cone dystrophy 3. Last evaluated: 2020-06-05. Review status: criteria provided, single submitter. Criteria: ACMG Guidelines, 2015. Collection method: curation. Allele origin: unknown.
Comment: This variant is interpreted as likely pathogenic for Cone dystrophy 3, autosomal dominant. The following ACMG Tag(s) were applied: Absent from controls (or at extremely low frequency if recessive) in Exome Sequencing Project, 1000 Genomes Project, or Exome Aggregation Consortium (PM2); Located in a mutational hot spot and/or critical and well-established functional domain (e.g., active site of an enzyme) without benign variation (PM1); Multiple lines of computational evidence support a deleterious effect on the gene or gene product (PP3); Novel missense change at an amino acid residue where a different missense change determined to be pathogenic has been seen before (PM5).

Literature cited by the submitters: PubMed 31728034.

NM_001384910.1(GUCA1A):c.296A>C (p.Tyr99Ser)

Genes: GUCA1A (guanylate cyclase activator 1A; plus strand), GUCA1ANB-GUCA1A (GUCA1ANB-GUCA1A readthrough; plus strand). Cytogenetic location: 6p21.1.
Variant type: single nucleotide variant.
Coding change: c.296A>C on transcript NM_001384910.1 (MANE Select); coding-DNA position 296, A replaced by C.
Protein change: p.Tyr99Ser; replaces tyrosine 99 with serine.
Molecular consequence: missense variant.
Genome position (GRCh38, 1-based): chr6:42,178,374, A>C. VCF-style: chr6-42178374-A-C. GRCh37 (hg19) VCF-style: chr6-42146112-A-C.
Other names: c.296A>C, p.Tyr99Ser (NM_000409.5, NM_001319061.2, NM_001319062.2); short protein forms Y99S.
Identifiers: ClinVar variation 974931 (VCV000974931.1), dbSNP rs104893967, ClinGen allele CA364109146.